The following is an entry in ClinVar:

ClinVar aggregate classification (germline): Uncertain significance (1 of 4 stars; one submission).

Conditions:
Long QT syndrome (LQTS). Identifiers: MedGen C0023976, MeSH D008133, MONDO:0002442. Disease mechanism: loss of function. Inheritance: Various modes of inheritance.

Submission:

All of Us Research Program, National Institutes of Health
Classification: Uncertain significance for Long QT syndrome. Last evaluated: 2023-06-08. Review status: criteria provided, single submitter. Criteria: ACMG Guidelines, 2015. Collection method: clinical testing. Allele origin: germline. Inheritance: Autosomal dominant inheritance. Observed: 1 variant allele, 1 heterozygote.
Comment: This missense variant replaces glycine with serine at codon 969 of the KCNH2 protein. Computational prediction suggests that this variant may not impact protein structure and function (internally defined REVEL score threshold <= 0.5, PMID: 27666373). To our knowledge, functional studies have not been reported for this variant. This variant has not been reported in individuals affected with KCNH2-related disorders in the literature. This variant has not been identified in the general population by the Genome Aggregation Database (gnomAD). The available evidence is insufficient to determine the role of this variant in disease conclusively. Therefore, this variant is classified as a Variant of Uncertain Significance.

This study involves interpretation of variants in research participants for the purpose of population health screening. Participant phenotype was not available at the time of variant classification. Additional details can be found in publication PMID: 35346344, PMCID: PMC8962531

NM_000238.4(KCNH2):c.2905G>A (p.Gly969Ser)

Gene: KCNH2 (potassium voltage-gated channel subfamily H member 2; minus strand). Cytogenetic location: 7q36.1.
Variant type: single nucleotide variant.
Coding change: c.2905G>A on transcript NM_000238.4 (MANE Select); coding-DNA position 2905, G replaced by A.
Protein change: p.Gly969Ser; replaces glycine 969 with serine.
Molecular consequence: missense variant. On other transcripts: non-coding transcript variant (2).
Genome position (GRCh38, 1-based): chr7:150,947,666, C>T on the plus strand (G>A on the coding strand, the complement: KCNH2 is on the minus strand). VCF-style: chr7-150947666-C-T. GRCh37 (hg19) VCF-style: chr7-150644754-C-T.
Other names: c.2617G>A, p.Gly873Ser (NM_001406753.1); c.1885G>A, p.Gly629Ser (NM_172057.3); short protein forms G629S, G873S, G969S.
Identifiers: ClinVar variation 3071559 (VCV003071559.1), dbSNP rs2486006721, ClinGen allele CA369853167.